The following is an entry in ClinVar:

ClinVar aggregate classification (germline): Uncertain significance (1 of 4 stars; one submission).

Conditions:
Inborn genetic diseases. Identifiers: MedGen C0950123, MeSH D030342.

gnomAD v4.1: 1 of 1,613,130 alleles (0.000062%); highest among the groups gnomAD compares: Non-Finnish European, 0.000085%; no homozygotes.

Submission:

Ambry Genetics
Classification: Uncertain significance for Inborn genetic diseases. Last evaluated: 2025-04-20. Review status: criteria provided, single submitter. Criteria: Ambry Variant Classification Scheme 2023. Collection method: clinical testing. Allele origin: germline.
Comment: The p.T991A variant (also known as c.2971A>G), located in coding exon 13 of the MECOM gene, results from an A to G substitution at nucleotide position 2971. The threonine at codon 991 is replaced by alanine, an amino acid with similar properties. This amino acid position is conserved. In addition, this alteration is predicted to be tolerated by in silico analysis. Based on the available evidence, the clinical significance of this variant remains unclear.

NM_004991.4(MECOM):c.2971A>G (p.Thr991Ala)

Gene: MECOM (MDS1 and EVI1 complex locus; minus strand). Cytogenetic location: 3q26.2.
Variant type: single nucleotide variant.
Coding change: c.2971A>G on transcript NM_004991.4 (MANE Select); coding-DNA position 2971, A replaced by G.
Protein change: p.Thr991Ala; replaces threonine 991 with alanine.
Molecular consequence: missense variant.
Genome position (GRCh38, 1-based): chr3:169,095,124, T>C on the plus strand (A>G on the coding strand, the complement: MECOM is on the minus strand). VCF-style: chr3-169095124-T-C. GRCh37 (hg19) VCF-style: chr3-168812912-T-C.
Other names: c.2602A>G, p.Thr868Ala (NM_001105077.4); c.2407A>G, p.Thr803Ala (NM_001105078.4, NM_001205194.2, NM_001366469.2 and 1 more transcripts); c.2383A>G, p.Thr795Ala (NM_001163999.2, NM_001366470.2); c.2380A>G, p.Thr794Ala (NM_001164000.2, NM_001366471.2, NM_001366472.2); c.2944A>G, p.Thr982Ala (NM_001366466.2); c.2410A>G, p.Thr804Ala (NM_001366467.2, NM_001366468.2); c.1972A>G, p.Thr658Ala (NM_001366473.2); c.1408A>G, p.Thr470Ala (NM_001366474.2); short protein forms T794A, T795A, T658A, T804A, T868A, T470A, T803A, T991A.
Identifiers: ClinVar variation 4053211 (VCV004053211.1).
Genomic context (GRCh38, chr3:169,095,124, plus strand): 5'-TTTATTACGTACCGGACATGTTCCCATTCTCATGTTTCTTTAGGTGTCTGTCTAAATTGG[T>C]TTGTTGACCAAAACACCTATCACATAAGTGACACTTAAATGGCTTCTCTTTATTGTGGAT-3'
Protein context (NP_004982.2, residues 981-1001): HLCDRCFGQQ[Thr991Ala]NLDRHLKKHE